The following is an entry in ClinVar:

ClinVar aggregate classification (germline): Pathogenic (1 of 4 stars; one submission).

gnomAD v4.1: 2 of 1,549,710 alleles (0.00013%); highest among the groups gnomAD compares: Non-Finnish European, 0.000087%; no homozygotes.

Submission:

Labcorp Genetics (formerly Invitae), Labcorp
Classification: Pathogenic. Last evaluated: 2022-06-13. Review status: criteria provided, single submitter. Criteria: Invitae Variant Classification Sherloc (09022015). Collection method: clinical testing. Allele origin: germline.
Comment: This sequence change creates a premature translational stop signal (p.Gln998*) in the ADAMTS17 gene. It is expected to result in an absent or disrupted protein product. Loss-of-function variants in ADAMTS17 are known to be pathogenic (PMID: 19836009, 24940034). This variant is not present in population databases (gnomAD no frequency). This variant has not been reported in the literature in individuals affected with ADAMTS17-related conditions. For these reasons, this variant has been classified as Pathogenic.

Literature cited by the submitters: PubMed 19836009; PubMed 24940034.

NM_139057.4(ADAMTS17):c.2992C>T (p.Gln998Ter)

Gene: ADAMTS17 (ADAM metallopeptidase with thrombospondin type 1 motif 17; minus strand). Cytogenetic location: 15q26.3.
Variant type: single nucleotide variant.
Coding change: c.2992C>T on transcript NM_139057.4 (MANE Select); coding-DNA position 2992, C replaced by T.
Protein change: p.Gln998Ter; replaces glutamine 998 with a stop codon.
Molecular consequence: nonsense.
Genome position (GRCh38, 1-based): chr15:99,976,180, G>A on the plus strand (C>T on the coding strand, the complement: ADAMTS17 is on the minus strand). VCF-style: chr15-99976180-G-A. GRCh37 (hg19) VCF-style: chr15-100516385-G-A.
Other names: short protein forms Q998*.
Identifiers: ClinVar variation 2079967 (VCV002079967.4), dbSNP rs1225510787, ClinGen allele CA393692840.
Genomic context (GRCh38, chr15:99,976,180, plus strand): 5'-CAGGCTTCGAGAGGGCGGGGCACTCGCTGCCGTGGCGCCCTGTGACCTTGTGCATGCACT[G>A]CACCACCCGGGACTGCAGGCCCTTCCCGCAGGTCGACGAGCACTGCAGAGACAGGACAGC-3'